The following is an entry in ClinVar:

NM_007294.4(BRCA1):c.1961dup (p.Tyr655fs)

Gene: BRCA1 (BRCA1 DNA repair associated; minus strand). Cytogenetic location: 17q21.31.
Variant type: Duplication.
Coding change: c.1961dup on transcript NM_007294.4 (MANE Select); coding-DNA position 1961, one base duplicated (A; older notation c.1961dupA).
Protein change: p.Tyr655fs; shifts the reading frame from tyrosine 655.
Molecular consequence: frameshift variant. On other transcripts: intron variant (137).
Genome position (GRCh38, 1-based): chr17:43,093,570, T duplicated on the plus strand (A on the coding strand, the reverse complement: BRCA1 is on the minus strand); the first of 8 consecutive T bases (chr17:43,093,570-43,093,577); duplicating any one gives the same sequence. VCF-style (leftmost placement, unchanged base first): chr17-43093569-C-CT. GRCh37 (hg19) VCF-style: chr17-41245586-C-CT.
Other names: 2080_2081insA; 2080insA; c.1961dupA (NM_007294.3); c.1748dup, p.Tyr584fs (NM_001407571.1, NM_001407853.1, NM_001407894.1 and 9 more transcripts); c.1961dup, p.Tyr655fs (NM_001407581.1, NM_001407582.1, NM_001407583.1 and 30 more transcripts); c.1958dup, p.Tyr654fs (NM_001407587.1, NM_001407590.1, NM_001407591.1 and 22 more transcripts); c.1952dup, p.Tyr652fs (NM_001407646.1, NM_001407647.1); c.1838dup, p.Tyr614fs (NM_001407648.1, NM_001407664.1, NM_001407665.1 and 19 more transcripts); and 43 more; short protein forms Y608fs, Y655fs, Y359fs, Y527fs, Y528fs, Y567fs, Y585fs, Y588fs.
Identifiers: ClinVar variation 54417 (VCV000054417.53), dbSNP rs80357522, ClinGen allele CA001304.
Genomic context (GRCh38, chr17:43,093,569, plus strand): 5'-AGGTTCTTTACCTTCCATGAGTTGTAGGTTTCTGCTGTGCCTGACTGGCATTTGGTTGTA[C>CT]TTTTTTTTCTTTATCTCTTCACTGCTAGAACAACTATCAATTTGCAATTCAGTACAATTA-3'

ClinVar aggregate classification (germline): Pathogenic. Review status: reviewed by expert panel (3 of 4 stars). 25 submissions from 25 submitters: Pathogenic (1). 24 of the submissions do not count toward it. Last evaluated 2016-04-22.

Conditions:
Hereditary cancer-predisposing syndrome. Also called: Tumor predisposition; Neoplastic Syndromes, Hereditary; Hereditary Cancer Syndrome; Hereditary neoplastic syndrome. Identifiers: Orphanet 140162, MedGen C0027672, MeSH D009386, MONDO:0015356.
BRCA1-related disorder. Also called: BRCA1-related condition.
Inherited breast cancer and ovarian cancer.
BRCA1-related cancer predisposition. Identifiers: MedGen CN377757, MONDO:0700268.
Breast and/or ovarian cancer. Identifiers: MedGen CN221562.
Inherited ovarian cancer (without breast cancer).
Ovarian cancer. Also called: OVARIAN CANCER, SOMATIC. Identifiers: Orphanet 213500, MedGen C1140680, MONDO:0008170, OMIM 167000.
Hereditary breast ovarian cancer syndrome. Also called: Hereditary breast and ovarian cancer syndrome (HBOC); Hereditary breast and ovarian cancer syndrome; Hereditary breast and ovarian cancer; Hereditary breast and/or ovarian cancer syndrome; Breast and ovarian cancer; BRCA1- and BRCA2-Associated Hereditary Breast and Ovarian Cancer. Identifiers: Orphanet 145, MedGen C0677776, MeSH D061325, MONDO:0003582. Disease mechanism: loss of function.
Breast-ovarian cancer, familial, susceptibility to, 1 (BROVCA1). Also called: OVARIAN CANCER, SUSCEPTIBILITY TO; BRCA1 Hereditary Breast and Ovarian Cancer. Identifiers: Orphanet 145, MedGen C2676676, MONDO:0011450, OMIM 604370. Disease mechanism: loss of function.

Submissions 1 to 9 of 25:

Evidence-based Network for the Interpretation of Germline Mutant Alleles (ENIGMA)
Classification: Pathogenic for Breast-ovarian cancer, familial, susceptibility to, 1. Last evaluated: 2016-04-22. Review status: reviewed by expert panel. Criteria: ENIGMA BRCA1/2 Classification Criteria (2015). Collection method: curation. Allele origin: germline.
Comment: Variant allele predicted to encode a truncated non-functional protein.

PreventionGenetics, part of Exact Sciences
Classification: Pathogenic for BRCA1-related condition. Last evaluated: 2026-08-11. Review status: criteria provided, single submitter. Criteria: ACMG Guidelines, 2015. Collection method: clinical testing. Allele origin: germline. Not counted in ClinVar's aggregate classification.
Comment: The BRCA1 c.1961dupA variant is predicted to result in a frameshift and premature protein termination (p.Tyr655Valfs*18). This variant, also described as 2080insA using legacy nomenclature, has been reported in multiple individuals and families with breast/ovarian cancer (Suppl. Table 7, Cheo et al. 2025. PubMed ID: 40068381; Suppl. Table 1, Evans et al. 2022. PubMed ID: 33758026; Table S1, Song et al. 2014. PubMed ID: 24728189; Shattuck-Eidens et al. 1995. PubMed ID: 7837387), prostate cancer (Leongamornlert et al. 2012. PubMed ID: 22516946; Table A1, Castro et al. 2013. PubMed ID: 23569316), and renal cell carcinoma (Rashid et al. 2011. PubMed ID: 21751003). This variant is reported in 0.0098% of alleles in individuals of South Asian descent in gnomAD and is interpreted as pathogenic in ClinVar (Variation ID: 54417). Frameshift variants in BRCA1 are expected to be pathogenic. This variant is interpreted as pathogenic.

Genomics and Molecular Medicine Service, East Genomic Laboratory Hub, NHS Genomic Medicine Service
Classification: Pathogenic for Inherited breast cancer and ovarian cancer. Last evaluated: 2026-06-30. Review status: criteria provided, single submitter. Criteria: ACGS Best Practice Guidelines for Variant Classification in Rare Disease 2020. Collection method: clinical testing. Allele origin: germline. Affected: yes. Not counted in ClinVar's aggregate classification.
Comment: PVS1,PM5_Strong

Genetics Laboratory, Great Ormond Street Hospital NHS Foundation Trust, North Thames Genomic Laboratory Hub
Classification: Pathogenic for Inherited ovarian cancer (without breast cancer). Last evaluated: 2026-05-21. Review status: criteria provided, single submitter. Criteria: CanVIG BRCA Gene Specific V1.22. Collection method: clinical testing. Allele origin: germline. Affected: yes. Not counted in ClinVar's aggregate classification.
Comment: PS4_very-strong, PVS1_very-strong, PM5_strong

Dasa
Classification: Pathogenic for Breast-ovarian cancer, familial, susceptibility to, 1. Last evaluated: 2026-04-08. Review status: criteria provided, single submitter. Criteria: DASA Assertion Criteria. Collection method: clinical testing. Allele origin: germline. Not counted in ClinVar's aggregate classification.
Comment: NM_007294.4(BRCA1):c.1961dup (p.Tyr655ValfsTer18) is a frameshift variant in BRCA1 predicted to alter the reading frame and introduce a premature termination codon and is predicted to result in an absent or altered protein product. Loss of function is an established disease mechanism for BRCA1 (PMID: 32375709; PMID: 21989022; PMID: 11802209). The affected residue or protein region has prior evidence supporting clinical relevance. Also, this variant is rare in population databases. Based on the currently available evidence, this variant is classified as pathogenic.

Labcorp Genetics (formerly Invitae), Labcorp
Classification: Pathogenic for Hereditary breast ovarian cancer syndrome. Last evaluated: 2025-12-01. Review status: criteria provided, single submitter. Criteria: Invitae Variant Classification Sherloc (09022015). Collection method: clinical testing. Allele origin: germline. Not counted in ClinVar's aggregate classification.
Comment: This sequence change creates a premature translational stop signal (p.Tyr655Valfs*18) in the BRCA1 gene. It is expected to result in an absent or disrupted protein product. Loss-of-function variants in BRCA1 are known to be pathogenic (PMID: 20104584). This variant is present in population databases (rs80357853, gnomAD 0.01%). This premature translational stop signal has been observed in individual(s) with breast, ovarian, and prostate cancer (PMID: 7837387, 21324516, 21559243, 22516946, 22970155). This variant is also known as 2080insA. ClinVar contains an entry for this variant (Variation ID: 54417). For these reasons, this variant has been classified as Pathogenic.

Ambry Genetics
Classification: Pathogenic for Hereditary cancer-predisposing syndrome. Last evaluated: 2025-10-13. Review status: criteria provided, single submitter. Criteria: Ambry Variant Classification Scheme 2023. Collection method: clinical testing. Allele origin: germline. Not counted in ClinVar's aggregate classification.
Comment: The c.1961dupA (p.Y655Vfs*18) alteration, located in exon 10 (coding exon 9) of the BRCA1 gene, consists of a duplication of A at position 1961, causing a translational frameshift with a predicted alternate stop codon after 18 amino acids. This alteration is expected to result in loss of function by premature protein truncation or nonsense-mediated mRNA decay. Based on data from gnomAD, the AA allele has an overall frequency of 0.001% (3/250730) total alleles studied. The highest observed frequency was 0.01% (3/30596) of South Asian alleles. This variant has been reported in numerous breast, ovarian, or prostate cancer patients (Shattuck-Eidens, 1995; (Couch, 1996; Zhang, 2011; Leongamornlert, 2012; Couch, 2015). Of note, this alteration is also designated as 2080insA and c.1945dupA in published literature. Based on the available evidence, this alteration is classified as pathogenic.

Mayo Clinic Laboratories, Mayo Clinic
Classification: Pathogenic. Last evaluated: 2025-08-22. Review status: criteria provided, single submitter. Criteria: ACMG Guidelines, 2015. Collection method: clinical testing. Allele origin: germline. Observed: 2 variant alleles. Not counted in ClinVar's aggregate classification.
Comment: PM5_strong, PVS1

All of Us Research Program, National Institutes of Health
Classification: Pathogenic for BRCA1-related cancer predisposition. Last evaluated: 2024-07-10. Review status: criteria provided, single submitter. Criteria: ACMG Guidelines, 2015. Collection method: clinical testing. Allele origin: germline. Inheritance: Autosomal dominant inheritance. Observed: 1 variant allele, 1 heterozygote. Not counted in ClinVar's aggregate classification.
Comment: This variant inserts 1 nucleotide in exon 10 of the BRCA1 gene, creating a frameshift and premature translation stop signal. This variant is also known as 2080insA and c.1961insA in the literature. This variant is expected to result in an absent or non-functional protein product. To our knowledge, functional studies have not been reported for this variant. This variant has been observed in multiple individuals and families affected with breast and/or ovarian cancer (PMID: 7837387, 12181777, 17688236, 18340530, 21324516, 22970155, 24728189, 31161121). This variant also has been reported in individuals affected with prostate and renal cell carcinoma (PMID: 21751003, 22516946). This variant has been identified in 3/250730 chromosomes in the general population by the Genome Aggregation Database (gnomAD). Loss of BRCA1 function is a known mechanism of disease. Based on the available evidence, this variant is classified as Pathogenic.

This study involves interpretation of variants in research participants for the purpose of population health screening. Participant phenotype was not available at the time of variant classification. Additional details can be found in publication PMID: 35346344, PMCID: PMC8962531